The following is an entry in ClinVar:

ClinVar aggregate classification (germline): Likely pathogenic (1 of 4 stars; one submission).

Conditions:
Dilated cardiomyopathy 1G (CMD1G). Identifiers: Orphanet 154, MedGen C1858763, MONDO:0011400, OMIM 604145.
Autosomal recessive limb-girdle muscular dystrophy type 2J (LGMDR10). Also called: Limb-girdle muscular dystrophy, type 2J; MUSCULAR DYSTROPHY, LIMB-GIRDLE, AUTOSOMAL RECESSIVE 10. Identifiers: Orphanet 140922, MedGen C1837342, MONDO:0012127, OMIM 608807.

Submission:

Labcorp Genetics (formerly Invitae), Labcorp
Classification: Likely pathogenic for Dilated cardiomyopathy 1G; Autosomal recessive limb-girdle muscular dystrophy type 2J. Last evaluated: 2024-06-04. Review status: criteria provided, single submitter. Criteria: Invitae Variant Classification Sherloc (09022015). Collection method: clinical testing. Allele origin: germline.
Comment: This sequence change creates a premature translational stop signal (p.Thr32610Metfs*27) in the TTN gene. While this is not anticipated to result in nonsense mediated decay, it is expected to create a truncated TTN protein. This variant is not present in population databases (gnomAD no frequency). This variant has not been reported in the literature in individuals affected with TTN-related conditions. This variant is located in the A band of TTN (PMID: 25589632). Truncating variants in this region are significantly overrepresented in patients affected with dilated cardiomyopathy (PMID: 25589632). Truncating variants in this region have also been reported in individuals affected with autosomal recessive centronuclear myopathy (PMID: 23975875). In summary, the currently available evidence indicates that the variant is pathogenic, but additional data are needed to prove that conclusively. Therefore, this variant has been classified as Likely Pathogenic.

Literature cited by the submitters: PubMed 25589632; PubMed 23975875.

NM_001267550.2(TTN):c.97829del (p.Thr32610fs)

Genes: TTN (titin; minus strand), TTN-AS1 (TTN antisense RNA 1; plus strand). Cytogenetic location: 2q31.2.
Variant type: Deletion.
Coding change: c.97829del on transcript NM_001267550.2 (MANE Select); coding-DNA position 97829, one base deleted (C; older notation c.97829delC).
Protein change: p.Thr32610fs; shifts the reading frame from threonine 32610.
Molecular consequence: frameshift variant.
Genome position (GRCh38, 1-based): chr2:178,540,337, G deleted on the plus strand (C on the coding strand, the reverse complement: TTN is on the minus strand). VCF-style (leftmost placement, unchanged base first): chr2-178540336-AG-A. GRCh37 (hg19) VCF-style: chr2-179405063-AG-A.
Other names: c.92906del, p.Thr30969fs (NM_001256850.1); c.70634del, p.Thr23545fs (NM_003319.4); c.90125del, p.Thr30042fs (NM_133378.4); c.71009del, p.Thr23670fs (NM_133432.3); c.71210del, p.Thr23737fs (NM_133437.4); short protein forms T23545fs, T23670fs, T23737fs, T30042fs, T30969fs, T32610fs.
Identifiers: ClinVar variation 3756668 (VCV003756668.2).